The following is an entry in ClinVar:

NM_000059.4(BRCA2):c.9672dup (p.Tyr3225fs)

Gene: BRCA2 (BRCA2 DNA repair associated; plus strand). Cytogenetic location: 13q13.1.
Variant type: Duplication.
Coding change: c.9672dup on transcript NM_000059.4 (MANE Select); coding-DNA position 9672, one base duplicated (A; older notation c.9672dupA).
Protein change: p.Tyr3225fs; shifts the reading frame from tyrosine 3225.
Molecular consequence: frameshift variant.
Genome position (GRCh38, 1-based): chr13:32,398,185, A duplicated. VCF-style (leftmost placement, unchanged base first): chr13-32398184-T-TA. GRCh37 (hg19) VCF-style: chr13-32972321-T-TA.
Other names: 9900insA; p.Tyr3225IlefsX30; c.9672dupA (NM_000059.3); c.9672dup (NM_001432077.1); short protein forms Y3225fs.
Identifiers: ClinVar variation 126217 (VCV000126217.87), dbSNP rs80359773, ClinGen allele CA026263.
Genomic context (GRCh38, chr13:32,398,184, plus strand): 5'-CATAATTATGATAGGCTACGTTTTCATTTTTTTATCAGATGTCTTCTCCTAATTGTGAGA[T>TA]ATATTATCAAAGTCCTTTATCACTTTGTATGGCCAAAAGGAAGTCTGTTTCCACACCTGT-3'

ClinVar aggregate classification (germline): Pathogenic. Review status: reviewed by expert panel (3 of 4 stars). 28 submissions from 28 submitters: Pathogenic (1). 27 of the submissions do not count toward it. Last evaluated 2016-09-08.

Conditions:
BRCA2-related cancer predisposition. Identifiers: MedGen CN377758, MONDO:0700269.
BRCA2-related disorder. Also called: BRCA2-related condition; BRCA2-related disorders. Identifiers: MedGen CN239275.
Hereditary cancer-predisposing syndrome. Also called: Tumor predisposition; Hereditary neoplastic syndrome; Neoplastic Syndromes, Hereditary; Hereditary Cancer Syndrome. Identifiers: Orphanet 140162, MedGen C0027672, MeSH D009386, MONDO:0015356.
Hereditary breast ovarian cancer syndrome. Also called: Hereditary breast and ovarian cancer syndrome (HBOC); Hereditary breast and ovarian cancer; Hereditary breast and ovarian cancer syndrome; Breast and ovarian cancer; Hereditary breast and/or ovarian cancer syndrome; BRCA1- and BRCA2-Associated Hereditary Breast and Ovarian Cancer. Identifiers: Orphanet 145, MedGen C0677776, MeSH D061325, MONDO:0003582. Disease mechanism: loss of function.
Fanconi anemia complementation group D1. Also called: BRCA2-Related Fanconi Anemia. Identifiers: Orphanet 319462, MedGen C1838457, MONDO:0011584, OMIM 605724.
Breast-ovarian cancer, familial, susceptibility to, 2 (BROVCA2). Also called: BRCA2 Hereditary Breast and Ovarian Cancer. Identifiers: Orphanet 145, MedGen C2675520, MONDO:0012933, OMIM 612555. Disease mechanism: loss of function.
Familial cancer of breast. Also called: Hereditary breast cancer; hereditary breast carcinoma; BREAST CANCER, FAMILIAL. Identifiers: Orphanet 227535, MedGen C0346153, MONDO:0016419, OMIM 114480. Disease mechanism: loss of function.
Malignant tumor of breast. Also called: Malignant breast neoplasm; Cancer breast. Identifiers: MedGen C0006142, MONDO:0007254. Disease mechanism: loss of function.

Allele frequency attached by ClinVar (database versions not stated): gnomAD exomes below 0.00001 and 0.00001; gnomAD 0.00001; TOPMed 0.00001.

Submissions 1 to 6 of 28:

Evidence-based Network for the Interpretation of Germline Mutant Alleles (ENIGMA)
Classification: Pathogenic for Breast-ovarian cancer, familial, susceptibility to, 2. Last evaluated: 2016-09-08. Review status: reviewed by expert panel. Criteria: ENIGMA BRCA1/2 Classification Criteria (2015). Collection method: curation. Allele origin: germline.
Comment: Variant allele predicted to encode a truncated non-functional protein.

CeGaT Center for Human Genetics Tuebingen
Classification: Pathogenic. Last evaluated: 2026-06-01. Review status: criteria provided, single submitter. Criteria: CeGaT Center For Human Genetics Tuebingen Variant Classification Criteria Version 2. Collection method: clinical testing. Allele origin: germline. Affected: yes. Observed: 1 variant allele. Not counted in ClinVar's aggregate classification.
Comment: BRCA2: PS4, PVS1:Strong, PM2

Labcorp Genetics (formerly Invitae), Labcorp
Classification: Pathogenic for Hereditary breast ovarian cancer syndrome. Last evaluated: 2025-12-01. Review status: criteria provided, single submitter. Criteria: Invitae Variant Classification Sherloc (09022015). Collection method: clinical testing. Allele origin: germline. Not counted in ClinVar's aggregate classification.
Comment: This sequence change creates a premature translational stop signal (p.Tyr3225Ilefs*30) in the BRCA2 gene. While this is not anticipated to result in nonsense mediated decay, it is expected to disrupt the last 194 amino acid(s) of the BRCA2 protein. This variant is present in population databases (rs80359773, gnomAD 0.0009%). This premature translational stop signal has been observed in individual(s) with breast and/or ovarian cancer, medulloblastoma, and Fanconi anemia (PMID: 12065746, 16683254, 24156927, 29753700). In at least one individual the data is consistent with being in trans (on the opposite chromosome) from a pathogenic variant. This variant is also known as 9900insA. ClinVar contains an entry for this variant (Variation ID: 126217). Algorithms developed to predict the effect of variants on gene product structure and function are not available or were not evaluated for this variant. Experimental studies have shown that this premature translational stop signal affects BRCA2 function (PMID: 12065746). This variant disrupts a region of the BRCA2 protein in which other variant(s) (p.Tyr3308*) have been determined to be pathogenic (PMID: 17026620, 18593900, 18607349, 22711857). This suggests that this is a clinically significant region of the protein, and that variants that disrupt it are likely to be disease-causing. For these reasons, this variant has been classified as Pathogenic.

Color Diagnostics, LLC DBA Color Health
Classification: Likely pathogenic for Hereditary cancer-predisposing syndrome. Last evaluated: 2025-10-14. Review status: criteria provided, single submitter. Criteria: ACMG Guidelines, 2015. Collection method: clinical testing. Allele origin: germline. Not counted in ClinVar's aggregate classification.
Comment: This variant inserts 1 nucleotide in codon 3225 in exon 27 of the BRCA2 gene, creating a frameshift and premature translation stop signal in the last coding exon. This variant is also known as 9900insA and c.9672_9673insA in the literature. This mutant transcript is predicted to escape nonsense-mediated decay and be expressed as a truncated protein. This variant is expected to disrupt the RAD51 binding domain that has been reported to be essential for homologous recombination and DNA repair (PMID: 17515903). Cell lines that are compound heterozygous for this variant and a known pathogenic BRCA2 truncation variant produced a truncated protein consistent with truncation in exon 27 (PMID: 12065746) and exhibited hypersensitivity to mitomycin C and other DNA damaging agents (PMID: 12065746, 16920162). A functional study reported that this variant impacts BRCA2 in the rescue of viability in Brca2-deficient mouse embryonic stem cells (PMID: 33293522). This variant also has been reported in multiple individuals with personal or family history of breast and/or ovarian cancer (PMID: 16683254, 24156927, 25452441, 27153395, 32341426, Color internal data). Multifactorial analysis has reached a combined likelihood ratio (LR) of 0.5839 based on personal and family history for 4 carriers and case-control study for 7 carriers (PMID: 31853058, 40413188). This variant has also been reported in three individuals who are compound heterozygous with a pathogenic BRCA2 covariant and affected with Fanconi anemia (PMID: 12065746, 22720145, 26740091). An external laboratory has reported the associated cancer histories of multiple carriers of this variant are inconsistent with known BRCA2 pathogenic variants. This variant has been identified in 6/1610772 chromosomes in the general population by the Genome Aggregation Database (gnomAD v4). In summary, this rare variant has been observed in multiple individuals and families affected with BRCA2-related phenotypes. Although additional studies are necessary to determine the role of this variant in disease and penetrance conclusively, this variant is classified as Likely Pathogenic based on the available evidence.

Institute of Human Genetics, FAU Erlangen, Friedrich-Alexander-Universität Erlangen-Nürnberg
Classification: Pathogenic. Last evaluated: 2025-06-20. Review status: criteria provided, single submitter. Criteria: Hauer et al. (Genet Med. 2018). Collection method: clinical testing. Allele origin: germline. Inheritance: Unknown mechanism. Affected: yes. Observed: 1 variant allele. Not counted in ClinVar's aggregate classification.
Comment: This variant has been identified by standard clinical testing.

Ambry Genetics
Classification: Pathogenic for Hereditary cancer-predisposing syndrome. Last evaluated: 2025-03-25. Review status: criteria provided, single submitter. Criteria: Ambry Variant Classification Scheme 2023. Collection method: clinical testing. Allele origin: germline. Not counted in ClinVar's aggregate classification.
Comment: The c.9672dupA pathogenic mutation, located in coding exon 26 of the BRCA2 gene, results from a duplication of A at nucleotide position 9672, causing a translational frameshift with a predicted alternate stop codon (p.Y3225Ifs*30). This alteration has been reported in multiple individuals and families with breast and/or ovarian cancer (van der Hout AH et al. Hum. Mutat. 2006 Jul;27:654-66; Reitsma W et al. Eur. J. Cancer 2013 Jan;49(1):132-41; Tea MK et al. Maturitas 2014 Jan;77(1):68-72; De Talhouet S et al. Sci Rep, 2020 04;10:7073). This alteration has also been detected in conjunction with another BRCA2 mutation in cells derived from a patient with Fanconi anemia (Howlett NG et al. Science 2002 Jul;297(5581):606-9; Feng Z et al. Proc. Natl. Acad. Sci. U.S.A. 2011 Jan;108(2):686-91). Of note, this alteration is also designated as 9900insA in published literature. In addition to the clinical data presented in the literature, this alteration is expected to result in loss of function by premature protein truncation. As such, this alteration is interpreted as a disease-causing mutation. However, because this variant is identified in one or more patients with Fanconi Anemia it may be hypomorphic and thus, carriers of this variant and their families may present with reduced risks, and not with the typical clinical characteristics of a high-risk pathogenic BRCA2 alteration. As risk estimates are unknown at this time, clinical correlation is advised.